The following is an entry in ClinVar:

NM_181078.3(IL21R):c.556C>T (p.Leu186Phe)

Gene: IL21R (interleukin 21 receptor; plus strand). Cytogenetic location: 16p12.1.
Variant type: single nucleotide variant.
Coding change: c.556C>T on transcript NM_181078.3 (MANE Select); coding-DNA position 556, C replaced by T.
Protein change: p.Leu186Phe; replaces leucine 186 with phenylalanine.
Molecular consequence: missense variant.
Genome position (GRCh38, 1-based): chr16:27,444,590, C>T. VCF-style: chr16-27444590-C-T. GRCh37 (hg19) VCF-style: chr16-27455911-C-T.
Other names: c.556C>T, p.Leu186Phe (NM_021798.4); c.622C>T, p.Leu208Phe (NM_181079.5); short protein forms L186F, L208F.
Identifiers: ClinVar variation 3666402 (VCV003666402.2).
Genomic context (GRCh38, chr16:27,444,590, plus strand): 5'-TTGTACTGGCAGAGTCCGAGGAGAAAGCTGATCTCAGTGGACTCAAGAAGTGTCTCCCTC[C>T]TCCCCCTGGAGTTCCGCAAAGACTCGAGCTATGAGCTGCAGGTGCGGGCAGGGCCCATGC-3'
Protein context (NP_851564.1, residues 176-196): ISVDSRSVSL[Leu186Phe]PLEFRKDSSY

ClinVar aggregate classification (germline): Uncertain significance (1 of 4 stars; one submission).

Conditions:
Cryptosporidiosis-chronic cholangitis-liver disease syndrome. Also called: Immunodeficiency type 56; IL21R immunodeficiency. Identifiers: Orphanet 357329, MedGen C3554687, MONDO:0014082, OMIM 615207.

Submission:

Labcorp Genetics (formerly Invitae), Labcorp
Classification: Uncertain significance for Cryptosporidiosis-chronic cholangitis-liver disease syndrome. Last evaluated: 2024-10-08. Review status: criteria provided, single submitter. Criteria: Invitae Variant Classification Sherloc (09022015). Collection method: clinical testing. Allele origin: germline.
Comment: This sequence change replaces leucine, which is neutral and non-polar, with phenylalanine, which is neutral and non-polar, at codon 186 of the IL21R protein (p.Leu186Phe). This variant is not present in population databases (gnomAD no frequency). This variant has not been reported in the literature in individuals affected with IL21R-related conditions. Invitae Evidence Modeling of protein sequence and biophysical properties (such as structural, functional, and spatial information, amino acid conservation, physicochemical variation, residue mobility, and thermodynamic stability) indicates that this missense variant is expected to disrupt IL21R protein function with a positive predictive value of 80%. In summary, the available evidence is currently insufficient to determine the role of this variant in disease. Therefore, it has been classified as a Variant of Uncertain Significance.